The following is an entry in ClinVar:

NM_003001.5(SDHC):c.242-20C>T

Gene: SDHC (succinate dehydrogenase complex subunit C; plus strand). Cytogenetic location: 1q23.3.
Variant type: single nucleotide variant.
Coding change: c.242-20C>T on transcript NM_003001.5 (MANE Select); 20 bases into the intron before coding-DNA position 242, C replaced by T.
Molecular consequence: intron variant.
Genome position (GRCh38, 1-based): chr1:161,356,657, C>T. VCF-style: chr1-161356657-C-T. GRCh37 (hg19) VCF-style: chr1-161326447-C-T.
Other names: c.131-20C>T (NM_001407119.1, NM_001407120.1); c.362-20C>T (NM_001407115.1); c.242-5672C>T (NM_001035511.3); c.140-20C>T (NM_001035512.3); c.140-5672C>T (NM_001278172.3); c.134-20C>T (NM_001407118.1); c.185-20C>T (NM_001407116.1); c.185-5672C>T (NM_001407121.1); and 2 more.
Identifiers: ClinVar variation 3256493 (VCV003256493.3).

ClinVar aggregate classification (germline): Likely benign. Review status: criteria provided, multiple submitters, no conflicts (2 of 4 stars). 2 submissions from 2 submitters: Likely benign (2). Last evaluated 2025-03-14.

Conditions:
Pheochromocytoma/paraganglioma syndrome 3. Also called: GLOMUS TUMORS, FAMILIAL, 3; Paragangliomas 3; SDHC-Related Hereditary Paraganglioma-Pheochromocytoma Syndrome (Paragangliomas 3); SDHC-Related Hereditary Paraganglioma-Pheochromocytoma Syndrome. Identifiers: Orphanet 29072, MedGen C1854336, MONDO:0011544, OMIM 605373.

Submissions (2):

Myriad Genetics, Inc.
Classification: Likely benign for Pheochromocytoma/paraganglioma syndrome 3. Last evaluated: 2025-03-14. Review status: criteria provided, single submitter. Criteria: Myriad Autosomal Dominant, Autosomal Recessive and X-Linked Classification Criteria (2023). Collection method: clinical testing. Allele origin: unknown.
Comment: This variant is considered likely benign. This variant is intronic and is not expected to impact mRNA splicing.

Center for Genomic Medicine, Rigshospitalet, Copenhagen University Hospital
Classification: Likely benign. Last evaluated: 2025-03-04. Review status: criteria provided, single submitter. Criteria: ACMG Guidelines, 2015. Collection method: clinical testing. Allele origin: germline.